The following is an entry in ClinVar:

ClinVar aggregate classification (germline): Likely benign. Review status: criteria provided, multiple submitters, no conflicts (2 of 4 stars). 4 submissions from 4 submitters: Likely benign (3). 1 of the submissions does not count toward it. Last evaluated 2025-08-15.

Conditions:
KATNIP-related disorder. Also called: KATNIP-related condition.

Allele frequency attached by ClinVar (database versions not stated): gnomAD exomes 0.00011 and 0.00029; ExAC 0.00040; gnomAD 0.00110 and 0.00120; TOPMed 0.00128; 1000 Genomes Project 0.00160; ESP Exome Variant Server 0.00162; 1000 Genomes Project 30x 0.00187.
gnomAD v4.1: 331 of 1,613,916 alleles (0.021%); highest among the groups gnomAD compares: African/African-American, 0.42%; 2 homozygotes.

Submissions (4):

Labcorp Genetics (formerly Invitae), Labcorp
Classification: Likely benign. Last evaluated: 2025-08-15. Review status: criteria provided, single submitter. Criteria: Invitae Variant Classification Sherloc (09022015). Collection method: clinical testing. Allele origin: germline.

Blueprint Genetics
Classification: Likely benign. Last evaluated: 2023-06-21. Review status: criteria provided, single submitter. Criteria: ACMG Guidelines, 2015. Collection method: clinical testing. Allele origin: germline.

Ambry Genetics
Classification: Likely benign. Last evaluated: 2022-07-08. Review status: criteria provided, single submitter. Criteria: Ambry Variant Classification Scheme 2023. Collection method: clinical testing. Allele origin: germline.

PreventionGenetics, part of Exact Sciences
Classification: Likely benign for KATNIP-related condition. Last evaluated: 2022-12-26. Review status: no assertion criteria provided. Collection method: clinical testing. Allele origin: germline. Not counted in ClinVar's aggregate classification.
Comment: This variant is classified as likely benign based on ACMG/AMP sequence variant interpretation guidelines (Richards et al. 2015 PMID: 25741868, with internal and published modifications).

NM_015202.5(KATNIP):c.4109A>G (p.Gln1370Arg)

Genes: KATNIP (katanin interacting protein; plus strand), LOC126862323 (P300/CBP strongly-dependent group 1 enhancer GRCh37_chr16:27780758-27781957; plus strand). Cytogenetic location: 16p12.1.
Variant type: single nucleotide variant.
Coding change: c.4109A>G on transcript NM_015202.5 (MANE Select); coding-DNA position 4109, A replaced by G.
Protein change: p.Gln1370Arg; replaces glutamine 1370 with arginine.
Molecular consequence: missense variant.
Genome position (GRCh38, 1-based): chr16:27,769,994, A>G. VCF-style: chr16-27769994-A-G. GRCh37 (hg19) VCF-style: chr16-27781315-A-G.
Other names: c.4109A>G (NM_015202.3); short protein forms Q1370R.
Identifiers: ClinVar variation 709922 (VCV000709922.13), dbSNP rs147427903, ClinGen allele CA7978493.